The following is an entry in ClinVar:

ClinVar aggregate classification (germline): Conflicting classifications of pathogenicity. Review status: criteria provided, conflicting classifications (1 of 4 stars). 11 submissions from 9 submitters: Uncertain significance (5); Likely benign (4). 2 of the submissions do not count toward it. Last evaluated 2026-04-10.

Conditions:
CRX-related disorder. Also called: CRX-related condition.
Retinal dystrophy. Also called: Inherited retinal dystrophy. Identifiers: Orphanet 71862, MedGen C0854723, MeSH D058499, MONDO:0019118, HP:0000556.
Cone-rod dystrophy 2 (CORD2). Also called: CONE-ROD RETINAL DYSTROPHY; Cone-rod retinal dystrophy 2. Identifiers: Orphanet 1872, MedGen C3489532, MONDO:0007362, OMIM 120970.
Leber congenital amaurosis 7 (LCA7). Identifiers: Orphanet 65, MedGen C3151192, MONDO:0013449, OMIM 613829.
Retinitis pigmentosa (RP). Identifiers: Orphanet 791, MedGen C0035334, MeSH D012174, MONDO:0019200, OMIM 268000. Inheritance: Autosomal dominant, autosomal recessive and X linked inheritance.

Allele frequency attached by ClinVar (database versions not stated): ExAC 0.00041; ESP Exome Variant Server 0.00046; gnomAD exomes 0.00049 and 0.00060; gnomAD 0.00058 and 0.00060; TOPMed 0.00060; 1000 Genomes Project 0.00080; 1000 Genomes Project 30x 0.00109.
gnomAD v4.1: 969 of 1,614,134 alleles (0.06%); highest among the groups gnomAD compares: Admixed American, 0.11%; 1 homozygote.

Submissions (11):

PreventionGenetics, part of Exact Sciences
Classification: Uncertain significance for CRX-related condition. Last evaluated: 2026-04-10. Review status: criteria provided, single submitter. Criteria: ACMG Guidelines, 2015. Collection method: clinical testing. Allele origin: germline.
Comment: The CRX c.28C>G variant is predicted to result in the amino acid substitution p.His10Asp. This variant was reported in an individual with retinitis pigmentosa (supplementary data, Jespersgaard et al. 2019. PubMed ID: 30718709). However, this variant is reported in 0.12% of alleles in individuals of Latino descent in gnomAD, which may be too frequent to be a primary cause of disease. Although we suspect that this variant may be benign, at this time, the clinical significance of this variant is uncertain due to the absence of conclusive functional and genetic evidence.

Labcorp Genetics (formerly Invitae), Labcorp
Classification: Likely benign for Cone-rod dystrophy 2; Leber congenital amaurosis 7. Last evaluated: 2025-12-06. Review status: criteria provided, single submitter. Criteria: Invitae Variant Classification Sherloc (09022015). Collection method: clinical testing. Allele origin: germline.

Blueprint Genetics
Classification: Likely benign. Last evaluated: 2024-09-09. Review status: criteria provided, single submitter. Criteria: ACMG Guidelines, 2015. Collection method: clinical testing. Allele origin: germline.

Institute of Human Genetics, Univ. Regensburg, Univ. Regensburg
Classification: Uncertain significance for Retinal dystrophy. Last evaluated: 2023-01-01. Review status: criteria provided, single submitter. Criteria: ACMG Guidelines, 2015. Collection method: clinical testing. Allele origin: germline. Affected: yes.

CeGaT Center for Human Genetics Tuebingen
Classification: Uncertain significance. Last evaluated: 2019-04-01. Review status: criteria provided, single submitter. Criteria: CeGaT Center For Human Genetics Tuebingen Variant Classification Criteria Version 2. Collection method: clinical testing. Allele origin: germline. Affected: yes. Observed: 1 variant allele.

GeneDx
Classification: Likely benign. Last evaluated: 2018-09-19. Review status: criteria provided, single submitter. Criteria: GeneDx Variant Classification Process June 2021. Collection method: clinical testing. Allele origin: germline. Affected: yes.
Comment: See Variant Classification Assertion Criteria.

Illumina Laboratory Services, Illumina
Classification: Likely benign for Cone-rod dystrophy 2. Last evaluated: 2018-01-12. Review status: criteria provided, single submitter. Criteria: ICSL Variant Classification Criteria 13 December 2019. Collection method: clinical testing. Allele origin: germline.
Comment: This variant was observed in the ICSL laboratory as part of a predisposition screen in an ostensibly healthy population. It had not been previously curated by ICSL or reported in the Human Gene Mutation Database (HGMD: prior to June 1st, 2018), and was therefore a candidate for classification through an automated scoring system. Utilizing variant allele frequency, disease prevalence and penetrance estimates, and inheritance mode, an automated score was calculated to assess if this variant is too frequent to cause the disease. Based on the score and internal cut-off values, a variant classified as likely benign is not then subjected to further curation. The score for this variant resulted in a classification of likely benign for this disease.

Illumina Laboratory Services, Illumina
Classification: Uncertain significance for Retinitis pigmentosa. Last evaluated: 2018-01-12. Review status: criteria provided, single submitter. Criteria: ICSL Variant Classification Criteria 13 December 2019. Collection method: clinical testing. Allele origin: germline.

Illumina Laboratory Services, Illumina
Classification: Uncertain significance for Leber congenital amaurosis 7. Last evaluated: 2018-01-12. Review status: criteria provided, single submitter. Criteria: ICSL Variant Classification Criteria 13 December 2019. Collection method: clinical testing. Allele origin: germline.

Department of Clinical Genetics, Copenhagen University Hospital, Rigshospitalet
Classification: Uncertain significance for Retinitis pigmentosa. Last evaluated: 2018-04-01. Review status: no assertion criteria provided. Collection method: research. Allele origin: unknown. Affected: yes. Study: VeluxRD. Not counted in ClinVar's aggregate classification.

Department of Pathology and Laboratory Medicine, Sinai Health System
Classification: Uncertain significance. Review status: no assertion criteria provided. Collection method: clinical testing. Allele origin: unknown. Affected: yes. Study: The Canadian Open Genetics Repository (COGR). Not counted in ClinVar's aggregate classification.
Comment: The CRX p.His10Asp variant was identified in the literature in individuals with retinitis pigmentosa and bipolar disorder (Sohocki_2001_PMID:11139241; Maaser_2018_PMID_11139241; Jespersgaard_2019_PMID:30718709). The variant was identified in dbSNP (ID: rs139340178) and ClinVar (classified as likely benign by Illumina and Invitae, and as uncertain significance by CeGaT Praxis fuer Humangenetik Tuebingen and Medical Genetics Laboratory, Kennedy Center,Juliane Marie Center, Rigshospitalet). The variant was identified in control databases in 133 of 282854 chromosomes at a frequency of 0.0004702 increasing the likelihood this could be a low frequency benign variant (Genome Aggregation Database March 6, 2019, v2.1.1). The variant was observed in the following populations: Latino in 41 of 35432 chromosomes (freq: 0.001157), Other in 4 of 7228 chromosomes (freq: 0.000553), European (non-Finnish) in 69 of 129186 chromosomes (freq: 0.000534), South Asian in 15 of 30616 chromosomes (freq: 0.00049), African in 3 of 24950 chromosomes (freq: 0.00012) and European (Finnish) in 1 of 25118 chromosomes (freq: 0.00004), but was not observed in the Ashkenazi Jewish or East Asian populations. The p.His10 residue is conserved across mammals and other organisms, and computational analyses (PolyPhen-2, SIFT, AlignGVGD, BLOSUM, MutationTaster) suggest that the variant may impact the protein; however, this information is not predictive enough to assume pathogenicity. The variant occurs outside of the splicing consensus sequence and in silico or computational prediction software programs (SpliceSiteFinder, MaxEntScan, NNSPLICE, GeneSplicer) do not predict a difference in splicing. In summary, based on the above information the clinical significance of this variant cannot be determined with certainty at this time. This variant is classified as a variant of uncertain significance.

Literature cited by the submitters: PubMed 30718709 (cited by Institute of Human Genetics, Univ. Regensburg, Univ. Regensburg and Department of Clinical Genetics, Copenhagen University Hospital, Rigshospitalet).

NM_000554.6(CRX):c.28C>G (p.His10Asp)

Gene: CRX (cone-rod homeobox; plus strand). Cytogenetic location: 19q13.33.
Variant type: single nucleotide variant.
Coding change: c.28C>G on transcript NM_000554.6 (MANE Select); coding-DNA position 28, C replaced by G.
Protein change: p.His10Asp; replaces histidine 10 with aspartic acid.
Molecular consequence: missense variant.
Genome position (GRCh38, 1-based): chr19:47,834,471, C>G. VCF-style: chr19-47834471-C-G. GRCh37 (hg19) VCF-style: chr19-48337728-C-G.
Other names: c.28C>G (NM_000554.5); short protein forms H10D.
Identifiers: ClinVar variation 329693 (VCV000329693.60), dbSNP rs139340178, ClinGen allele CA9544368.